The following is an entry in ClinVar:

ClinVar aggregate classification (germline): Uncertain significance (1 of 4 stars; one submission).

Conditions:
OPHN1-related disorder.

gnomAD v4.1: 1 of 1,206,616 alleles (0.000083%); highest among the groups gnomAD compares: Non-Finnish European, 0.00011%; no homozygotes.

Submission:

PreventionGenetics, part of Exact Sciences
Classification: Uncertain significance for OPHN1-related condition. Last evaluated: 2026-05-18. Review status: criteria provided, single submitter. Criteria: ACMG Guidelines, 2015. Collection method: clinical testing. Allele origin: germline.
Comment: The OPHN1 c.1480G>C variant is predicted to result in the amino acid substitution p.Glu494Gln. To our knowledge, this variant has not been reported in the literature or in a large population database (gnomAD), indicating this variant is rare. At this time, the clinical significance of this variant is uncertain due to the absence of conclusive functional and genetic evidence.

NM_002547.3(OPHN1):c.1480G>C (p.Glu494Gln)

Gene: OPHN1 (oligophrenin 1; minus strand). Cytogenetic location: Xq12.
Variant type: single nucleotide variant.
Coding change: c.1480G>C on transcript NM_002547.3 (MANE Select); coding-DNA position 1480, G replaced by C.
Protein change: p.Glu494Gln; replaces glutamic acid 494 with glutamine.
Molecular consequence: missense variant.
Genome position (GRCh38, 1-based): chrX:68,111,900, C>G on the plus strand (G>C on the coding strand, the complement: OPHN1 is on the minus strand). VCF-style: chrX-68111900-C-G. GRCh37 (hg19) VCF-style: chrX-67331742-C-G.
Other names: c.1480G>C, p.Glu494Gln (NM_001437258.1); short protein forms E494Q.
Identifiers: ClinVar variation 4992285 (VCV004992285.1).